The following is an entry in ClinVar:

ClinVar aggregate classification (germline): Uncertain significance. Review status: criteria provided, multiple submitters, no conflicts (2 of 4 stars). 2 submissions from 2 submitters: Uncertain significance (2). Last evaluated 2023-04-25.

Conditions:
Leukocyte adhesion deficiency 1 (LAD1). Also called: LEUKOCYTE ADHESION DEFICIENCY, TYPE I; LAD 1; Lymphocyte function-associated antigen 1 immunodeficiency; LFA 1 immunodeficiency. Identifiers: Orphanet 2968, Orphanet 99842, MedGen C0398738, MONDO:0007293, OMIM 116920.
Inborn genetic diseases. Identifiers: MedGen C0950123, MeSH D030342.

Allele frequency attached by ClinVar (database versions not stated): ExAC 0.00001; gnomAD 0.00001; TOPMed 0.00001.
gnomAD v4.1: 10 of 1,613,492 alleles (0.00062%); highest among the groups gnomAD compares: Non-Finnish European, 0.00076%; no homozygotes.

Submissions (2):

Ambry Genetics
Classification: Uncertain significance for Inborn genetic diseases. Last evaluated: 2023-04-25. Review status: criteria provided, single submitter. Criteria: Ambry Variant Classification Scheme 2023. Collection method: clinical testing. Allele origin: germline.

Labcorp Genetics (formerly Invitae), Labcorp
Classification: Uncertain significance for Leukocyte adhesion deficiency 1. Last evaluated: 2019-06-24. Review status: criteria provided, single submitter. Criteria: Invitae Variant Classification Sherloc (09022015). Collection method: clinical testing. Allele origin: germline.
Comment: This variant has not been reported in the literature in individuals with ITGB2-related conditions. This variant is present in population databases (rs771201581, ExAC 0.002%). This sequence change replaces glycine with valine at codon 711 of the ITGB2 protein (p.Gly711Val). The glycine residue is highly conserved and there is a moderate physicochemical difference between glycine and valine. Algorithms developed to predict the effect of missense changes on protein structure and function (SIFT, PolyPhen-2, Align-GVGD) all suggest that this variant is likely to be disruptive, but these predictions have not been confirmed by published functional studies and their clinical significance is uncertain. In summary, the available evidence is currently insufficient to determine the role of this variant in disease. Therefore, it has been classified as a Variant of Uncertain Significance.

NM_000211.5(ITGB2):c.2132G>T (p.Gly711Val)

Gene: ITGB2 (integrin subunit beta 2; minus strand). Cytogenetic location: 21q22.3.
Variant type: single nucleotide variant.
Coding change: c.2132G>T on transcript NM_000211.5 (MANE Select); coding-DNA position 2132, G replaced by T.
Protein change: p.Gly711Val; replaces glycine 711 with valine.
Molecular consequence: missense variant.
Genome position (GRCh38, 1-based): chr21:44,886,851, C>A on the plus strand (G>T on the coding strand, the complement: ITGB2 is on the minus strand). VCF-style: chr21-44886851-C-A. GRCh37 (hg19) VCF-style: chr21-46306766-C-A.
Other names: c.2132G>T (NM_000211.3); c.2132G>T, p.Gly711Val (NM_001127491.3); c.1925G>T, p.Gly642Val (NM_001303238.2); short protein forms G642V, G711V.
Identifiers: ClinVar variation 938064 (VCV000938064.11), dbSNP rs771201581, ClinGen allele CA10062544.